The following is an entry in ClinVar:

NM_004859.4(CLTC):c.3703G>A (p.Gly1235Ser)

Gene: CLTC (clathrin heavy chain; plus strand). Cytogenetic location: 17q23.1.
Variant type: single nucleotide variant.
Coding change: c.3703G>A on transcript NM_004859.4 (MANE Select); coding-DNA position 3703, G replaced by A.
Protein change: p.Gly1235Ser; replaces glycine 1235 with serine.
Molecular consequence: missense variant.
Genome position (GRCh38, 1-based): chr17:59,682,731, G>A. VCF-style: chr17-59682731-G-A. GRCh37 (hg19) VCF-style: chr17-57760092-G-A.
Other names: c.3715G>A, p.Gly1239Ser (NM_001288653.2); short protein forms G1235S, G1239S.
Identifiers: ClinVar variation 5019206 (VCV005019206.2).

ClinVar aggregate classification (germline): Uncertain significance (1 of 4 stars; one submission).

Conditions:
Intellectual developmental disorder, autosomal dominant 56. Also called: MENTAL RETARDATION, AUTOSOMAL DOMINANT 56; Intellectual disability, autosomal dominant 56. Identifiers: MedGen C4693389, MONDO:0030922, OMIM 617854.

Submission:

Juno Genomics, Hangzhou Juno Genomics, Inc
Classification: Uncertain significance for Intellectual developmental disorder, autosomal dominant 56. Review status: criteria provided, single submitter. Criteria: ACMG Guidelines, 2015. Collection method: clinical testing. Allele origin: germline.
Comment: Absent from controls (or at extremely low frequency if recessive) in Genome Aggregation Database.;Missense variant in a gene that has a low rate of benign missense variation.